The following is an entry in ClinVar:

ClinVar aggregate classification (germline): Uncertain significance (1 of 4 stars; one submission).

Conditions:
Cholestanol storage disease (CTX). Also called: Cerebrotendinous Xanthomatosis; CEREBRAL CHOLESTERINOSIS; CTX: Cerebrotendinous xanthomatosis. Identifiers: Orphanet 909, MedGen C0238052, MONDO:0008948, OMIM 213700.

Allele frequency attached by ClinVar (database versions not stated): TOPMed below 0.00001.

Submission:

Labcorp Genetics (formerly Invitae), Labcorp
Classification: Uncertain significance for Cholestanol storage disease. Last evaluated: 2021-08-30. Review status: criteria provided, single submitter. Criteria: Invitae Variant Classification Sherloc (09022015). Collection method: clinical testing. Allele origin: germline.
Comment: This sequence change replaces alanine with threonine at codon 33 of the CYP27A1 protein (p.Ala33Thr). The alanine residue is weakly conserved and there is a small physicochemical difference between alanine and threonine. This variant is not present in population databases (ExAC no frequency). This variant has not been reported in the literature in individuals affected with CYP27A1-related conditions. Advanced modeling of protein sequence and biophysical properties (such as structural, functional, and spatial information, amino acid conservation, physicochemical variation, residue mobility, and thermodynamic stability) performed at Invitae indicates that this missense variant is not expected to disrupt CYP27A1 protein function. In summary, the available evidence is currently insufficient to determine the role of this variant in disease. Therefore, it has been classified as a Variant of Uncertain Significance.

NM_000784.4(CYP27A1):c.97G>A (p.Ala33Thr)

Gene: CYP27A1 (cytochrome P450 family 27 subfamily A member 1; plus strand). Cytogenetic location: 2q35.
Variant type: single nucleotide variant.
Coding change: c.97G>A on transcript NM_000784.4 (MANE Select); coding-DNA position 97, G replaced by A.
Protein change: p.Ala33Thr; replaces alanine 33 with threonine.
Molecular consequence: missense variant.
Genome position (GRCh38, 1-based): chr2:218,782,279, G>A. VCF-style: chr2-218782279-G-A. GRCh37 (hg19) VCF-style: chr2-219647002-G-A.
Other names: short protein forms A33T.
Identifiers: ClinVar variation 1464713 (VCV001464713.5), dbSNP rs1275043449, ClinGen allele CA350575897.
Genomic context (GRCh38, chr2:218,782,279, plus strand): 5'-CTGCGAGGGGCCGGCCGTGGCCTCTGCCCCCACGGGGCCAGAGCCAAGGCCGCGATCCCT[G>A]CCGCCCTCCCCTCGGACAAGGCCACCGGAGCTCCCGGAGCCGGGCCTGGTGTCCGGCGGC-3'
Protein context (NP_000775.1, residues 23-43): HGARAKAAIP[Ala33Thr]ALPSDKATGA